The following is an entry in ClinVar:

ClinVar aggregate classification (germline): Uncertain significance. Review status: criteria provided, multiple submitters, no conflicts (2 of 4 stars). 3 submissions from 3 submitters: Uncertain significance (3). Last evaluated 2023-09-05.

Conditions:
Long QT syndrome (LQTS). Identifiers: MedGen C0023976, MeSH D008133, MONDO:0002442. Disease mechanism: loss of function. Inheritance: Various modes of inheritance.
Cardiac arrhythmia. Also called: Arrhythmia; Cardiac rhythm disease. Identifiers: MedGen C0003811, MONDO:0007263, HP:0011675.
Long QT syndrome 2 (LQT2). Identifiers: Orphanet 101016, Orphanet 768, MedGen C3150943, MONDO:0013367, OMIM 613688.
Short QT syndrome type 1. Identifiers: Orphanet 51083, MedGen C1865020, MONDO:0012312, OMIM 609620.

Allele frequency attached by ClinVar (database versions not stated): TOPMed 0.00001.
gnomAD v4.1: 6 of 1,612,130 alleles (0.00037%); highest among the groups gnomAD compares: East Asian, 0.0089%; no homozygotes.

Submissions (3):

All of Us Research Program, National Institutes of Health
Classification: Uncertain significance for Long QT syndrome. Last evaluated: 2023-09-05. Review status: criteria provided, single submitter. Criteria: ACMG Guidelines, 2015. Collection method: clinical testing. Allele origin: germline. Inheritance: Autosomal dominant inheritance. Observed: 1 variant allele, 1 heterozygote.
Comment: Variant of Uncertain Significance due to insufficient evidence: This missense variant is located in the C-terminal cytoplasmic domain of the KCNH2 protein. Computational prediction tools and conservation analyses are inconclusive regarding the impact of this variant on the protein function. Computational splicing tools suggest that this variant may not impact RNA splicing. To our knowledge, functional assays have not been performed for this variant nor has this variant been reported in individuals affected with cardiovascular disorders in the literature. This variant has been identified in 2/238672 chromosomes in the general population by the Genome Aggregation Database (gnomAD). Available evidence is insufficient to determine the role of this variant in disease conclusively.

This study involves interpretation of variants in research participants for the purpose of population health screening. Participant phenotype was not available at the time of variant classification. Additional details can be found in publication PMID: 35346344, PMCID: PMC8962531

Fulgent Genetics
Classification: Uncertain significance for Short QT syndrome type 1; Long QT syndrome 2. Last evaluated: 2022-03-10. Review status: criteria provided, single submitter. Criteria: ACMG Guidelines, 2015. Collection method: clinical testing. Allele origin: unknown.

Color Diagnostics, LLC DBA Color Health
Classification: Uncertain significance for Cardiac arrhythmia. Last evaluated: 2019-01-15. Review status: criteria provided, single submitter. Criteria: ACMG Guidelines, 2015. Collection method: clinical testing. Allele origin: germline.
Comment: Variant of Uncertain Significance due to insufficient evidence: This missense variant is located in the C-terminal cytoplasmic domain of the KCNH2 protein. Computational prediction tools and conservation analyses are inconclusive regarding the impact of this variant on the protein function. Computational splicing tools suggest that this variant may not impact RNA splicing. To our knowledge, functional assays have not been performed for this variant nor has this variant been reported in individuals affected with cardiovascular disorders in the literature. This variant has been identified in 2/238672 chromosomes in the general population by the Genome Aggregation Database (gnomAD). Available evidence is insufficient to determine the role of this variant in disease conclusively.

NM_000238.4(KCNH2):c.2931C>G (p.Cys977Trp)

Gene: KCNH2 (potassium voltage-gated channel subfamily H member 2; minus strand). Cytogenetic location: 7q36.1.
Variant type: single nucleotide variant.
Coding change: c.2931C>G on transcript NM_000238.4 (MANE Select); coding-DNA position 2931, C replaced by G.
Protein change: p.Cys977Trp; replaces cysteine 977 with tryptophan.
Molecular consequence: missense variant.
Genome position (GRCh38, 1-based): chr7:150,947,640, G>C on the plus strand (C>G on the coding strand, the complement: KCNH2 is on the minus strand). VCF-style: chr7-150947640-G-C. GRCh37 (hg19) VCF-style: chr7-150644728-G-C.
Other names: c.1911C>G, p.Cys637Trp (NM_172057.3); short protein forms C637W, C977W.
Identifiers: ClinVar variation 919282 (VCV000919282.7), dbSNP rs761585108, ClinGen allele CA369853108.